The following is an entry in ClinVar:

NM_003105.6(SORL1):c.5525G>A (p.Arg1842His)

Gene: SORL1 (sortilin related receptor 1; plus strand). Cytogenetic location: 11q24.1.
Variant type: single nucleotide variant.
Coding change: c.5525G>A on transcript NM_003105.6 (MANE Select); coding-DNA position 5525, G replaced by A.
Protein change: p.Arg1842His; replaces arginine 1842 with histidine.
Molecular consequence: missense variant.
Genome position (GRCh38, 1-based): chr11:121,614,976, G>A. VCF-style: chr11-121614976-G-A. GRCh37 (hg19) VCF-style: chr11-121485685-G-A.
Other names: short protein forms R1842H.
Identifiers: ClinVar variation 1920055 (VCV001920055.5), dbSNP rs545335743, ClinGen allele CA6329980.
Genomic context (GRCh38, chr11:121,614,976, plus strand): 5'-CCAAGACTGACTTGGGGGATAGCCCTCTGGCATTTGAGCATGTTATGACCAGAGGGGTTC[G>A]CCCACCTGCACCTAGCCTCAAGGCCAAAGCCATCAACCAGACTGCAGTGGAATGTACCTG-3'
Protein context (NP_003096.2, residues 1832-1852): AFEHVMTRGV[Arg1842His]PPAPSLKAKA

ClinVar aggregate classification (germline): Uncertain significance (1 of 4 stars; one submission).

Allele frequency attached by ClinVar (database versions not stated): TOPMed 0.00001; gnomAD exomes 0.00002; ExAC 0.00004; gnomAD 0.00005; 1000 Genomes Project 30x 0.00062; 1000 Genomes Project 0.00080.
gnomAD v4.1: 33 of 1,613,550 alleles (0.002%); highest among the groups gnomAD compares: South Asian, 0.011%; no homozygotes.

Submission:

Labcorp Genetics (formerly Invitae), Labcorp
Classification: Uncertain significance. Last evaluated: 2023-09-13. Review status: criteria provided, single submitter. Criteria: Invitae Variant Classification Sherloc (09022015). Collection method: clinical testing. Allele origin: germline.
Comment: This sequence change replaces arginine, which is basic and polar, with histidine, which is basic and polar, at codon 1842 of the SORL1 protein (p.Arg1842His). This variant is present in population databases (rs545335743, gnomAD 0.02%). This variant has not been reported in the literature in individuals affected with SORL1-related conditions. ClinVar contains an entry for this variant (Variation ID: 1920055). Algorithms developed to predict the effect of missense changes on protein structure and function output the following: SIFT: "Not Available"; PolyPhen-2: "Benign"; Align-GVGD: "Not Available". The histidine amino acid residue is found in multiple mammalian species, which suggests that this missense change does not adversely affect protein function. In summary, the available evidence is currently insufficient to determine the role of this variant in disease. Therefore, it has been classified as a Variant of Uncertain Significance.